The following is an entry in ClinVar:

ClinVar aggregate classification (germline): Uncertain significance (1 of 4 stars; one submission).

Conditions:
Cardiovascular phenotype. Identifiers: MedGen CN230736.
Hereditary cancer-predisposing syndrome. Also called: Neoplastic Syndromes, Hereditary; Tumor predisposition; Hereditary neoplastic syndrome; Hereditary Cancer Syndrome. Identifiers: Orphanet 140162, MedGen C0027672, MeSH D009386, MONDO:0015356.

Submission:

Ambry Genetics
Classification: Uncertain significance for Cardiovascular phenotype; Hereditary cancer-predisposing syndrome. Last evaluated: 2026-07-29. Review status: criteria provided, single submitter. Criteria: Ambry Variant Classification Scheme 2023. Collection method: clinical testing. Allele origin: germline.
Comment: The p.F934I variant (also known as c.2800T>A), located in coding exon 21 of the NF1 gene, results from a T to A substitution at nucleotide position 2800. The phenylalanine at codon 934 is replaced by isoleucine, an amino acid with highly similar properties. This amino acid position is conserved. In addition, this alteration is predicted to be deleterious by in silico analysis. Based on the available evidence, the clinical significance of this variant remains unclear.

NM_001042492.3(NF1):c.2800T>A (p.Phe934Ile)

Gene: NF1 (neurofibromin 1; plus strand). Cytogenetic location: 17q11.2.
Variant type: single nucleotide variant.
Coding change: c.2800T>A on transcript NM_001042492.3 (MANE Select); coding-DNA position 2800, T replaced by A.
Protein change: p.Phe934Ile; replaces phenylalanine 934 with isoleucine.
Molecular consequence: missense variant.
Genome position (GRCh38, 1-based): chr17:31,229,415, T>A. VCF-style: chr17-31229415-T-A. GRCh37 (hg19) VCF-style: chr17-29556433-T-A.
Other names: c.2800T>A, p.Phe934Ile (NM_000267.4); short protein forms F934I.
Identifiers: ClinVar variation 5025598 (VCV005025598.1).